The following is an entry in ClinVar:

NC_000011.9:g.(?_108114670)_(108225611_?)dup

Genes: ATM (ATM serine/threonine kinase; plus strand), C11orf65 (chromosome 11 open reading frame 65; minus strand), LOC128772356 (melanoma risk locus-associated MPRA allelic enhancer 11:108140516; plus strand), LOC129390354 (MPRA-validated peak1451 silencer; plus strand). Cytogenetic location: 11q22.3.
Variant type: Duplication.
Identifiers: ClinVar variation 658449 (VCV000658449.6).

ClinVar aggregate classification (germline): Likely pathogenic (1 of 4 stars; one submission).

Conditions:
Ataxia-telangiectasia syndrome (AT). Also called: ATAXIA-TELANGIECTASIA, FRESNO VARIANT; Ataxia-telangiectasia, complementation group D; Cerebello-oculocutaneous telangiectasia; Immunodeficiency with ataxia telangiectasia; Ataxia-telangiectasia; Ataxia telangiectasia (A-T). Identifiers: Orphanet 100, MedGen C0004135, MONDO:0008840, OMIM 208900.

Submission:

Labcorp Genetics (formerly Invitae), Labcorp
Classification: Likely pathogenic for Ataxia-telangiectasia syndrome. Last evaluated: 2018-08-25. Review status: criteria provided, single submitter. Criteria: Invitae Variant Classification Sherloc (09022015). Collection method: clinical testing. Allele origin: germline.
Comment: This variant results in a copy number gain of the genomic region encompassing exons 6-61 of the ATM gene. While the exact position of this variant cannot be determined from this data, sub-genic copy number gains are generally in tandem (PMID: 25640679) and may result in an absent or disrupted protein product. This variant has not been reported in the literature in individuals with ATM-related disease. Loss-of-function variants in ATM are known to be pathogenic (PMID: 23807571, 25614872). In summary, the currently available evidence indicates that the variant is pathogenic, but additional data are needed to prove that conclusively. Therefore, this variant has been classified as Likely Pathogenic.

Literature cited by the submitters: PubMed 25640679; PubMed 23807571; PubMed 25614872.